The following is an entry in ClinVar:

NM_130468.4(CHST14):c.844G>T (p.Val282Leu)

Gene: CHST14 (carbohydrate sulfotransferase 14; plus strand). Cytogenetic location: 15q15.1.
Variant type: single nucleotide variant.
Coding change: c.844G>T on transcript NM_130468.4 (MANE Select); coding-DNA position 844, G replaced by T.
Protein change: p.Val282Leu; replaces valine 282 with leucine.
Molecular consequence: missense variant.
Genome position (GRCh38, 1-based): chr15:40,472,057, G>T. VCF-style: chr15-40472057-G-T. GRCh37 (hg19) VCF-style: chr15-40764256-G-T.
Other names: short protein forms V282L.
Identifiers: ClinVar variation 4843190 (VCV004843190.1).

ClinVar aggregate classification (germline): Uncertain significance (1 of 4 stars; one submission).

Conditions:
Cardiovascular phenotype. Identifiers: MedGen CN230736.

Submission:

Ambry Genetics
Classification: Uncertain significance for Cardiovascular phenotype. Last evaluated: 2025-12-30. Review status: criteria provided, single submitter. Criteria: Ambry Variant Classification Scheme 2023. Collection method: clinical testing. Allele origin: germline.
Comment: The p.V282L variant (also known as c.844G>T), located in coding exon 1 of the CHST14 gene, results from a G to T substitution at nucleotide position 844. The valine at codon 282 is replaced by leucine, an amino acid with highly similar properties. This amino acid position is conserved. In addition, this alteration is predicted to be tolerated by in silico analysis. Based on the available evidence, the clinical significance of this variant remains unclear.